The following is an entry in ClinVar:

NM_053025.4(MYLK):c.2003A>G (p.Asp668Gly)

Gene: MYLK (myosin light chain kinase; minus strand). Cytogenetic location: 3q21.1.
Variant type: single nucleotide variant.
Coding change: c.2003A>G on transcript NM_053025.4 (MANE Select); coding-DNA position 2003, A replaced by G.
Protein change: p.Asp668Gly; replaces aspartic acid 668 with glycine.
Molecular consequence: missense variant.
Genome position (GRCh38, 1-based): chr3:123,708,835, T>C on the plus strand (A>G on the coding strand, the complement: MYLK is on the minus strand). VCF-style: chr3-123708835-T-C. GRCh37 (hg19) VCF-style: chr3-123427682-T-C.
Other names: c.1475A>G, p.Asp492Gly (NM_001321309.2); c.1796A>G, p.Asp599Gly (NM_053026.4, NM_053028.4); c.2003A>G, p.Asp668Gly (NM_053027.4); short protein forms D492G, D599G, D668G.
Identifiers: ClinVar variation 3766466 (VCV003766466.2).
Genomic context (GRCh38, chr3:123,708,835, plus strand): 5'-TCCGGGAACACTTCCTGGATACAAAGGCTGTGCTGAGTTCCTCTCTGTTCAAAGTGGAAG[T>C]CCTCTGACTCTTGGATCTCATTCCCATTGTGCAGCCAGATGACTTCAGGGGGTGGATTCC-3'
Protein context (NP_444253.3, residues 658-678): HNGNEIQESE[Asp668Gly]FHFEQRGTQH

ClinVar aggregate classification (germline): Uncertain significance. Review status: criteria provided, multiple submitters, no conflicts (2 of 4 stars). 2 submissions from 2 submitters: Uncertain significance (2). Last evaluated 2024-02-16.

Submissions (2):

ARUP Laboratories, Molecular Genetics and Genomics, ARUP Laboratories
Classification: Uncertain significance. Last evaluated: 2024-02-16. Review status: criteria provided, single submitter. Criteria: ARUP Molecular Germline Variant Investigation Process 2024. Collection method: clinical testing. Allele origin: germline.
Comment: The MYLK c.2003A>G; p.Asp668Gly variant (rs779811725), to our knowledge, is not reported in the medical literature or gene specific databases. This variant is only observed on one allele in the Genome Aggregation Database (v2.1.1), indicating it is not a common polymorphism. Computational analyses are uncertain whether this variant is neutral or deleterious (REVEL: 0.218). Due to limited information, the clinical significance of this variant is uncertain at this time.

Blueprint Genetics
Classification: Uncertain significance. Last evaluated: 2022-07-28. Review status: criteria provided, single submitter. Criteria: ACMG Guidelines, 2015. Collection method: clinical testing. Allele origin: germline.